The following is an entry in ClinVar:

NM_014633.5(CTR9):c.144G>T (p.Ala48=)

Gene: CTR9 (CTR9 component of Paf1/RNA polymerase II complex; plus strand). Cytogenetic location: 11p15.4.
Variant type: single nucleotide variant.
Coding change: c.144G>T on transcript NM_014633.5 (MANE Select); coding-DNA position 144, G replaced by T.
Protein change: p.Ala48=; no amino-acid change (alanine 48 retained).
Molecular consequence: synonymous variant.
Genome position (GRCh38, 1-based): chr11:10,752,770, G>T. VCF-style: chr11-10752770-G-T. GRCh37 (hg19) VCF-style: chr11-10774317-G-T.
Other names: c.144G>T, p.Ala48= (NM_001346279.2); c.144G>T (NM_014633.4).
Identifiers: ClinVar variation 2172616 (VCV002172616.7), dbSNP rs553969590, ClinGen allele CA5884794.

ClinVar aggregate classification (germline): Uncertain significance. Review status: criteria provided, multiple submitters, no conflicts (2 of 4 stars). 3 submissions from 3 submitters: Uncertain significance (2). 1 of the submissions does not count toward it. Last evaluated 2026-10-01.

Conditions:
CTR9-related disorder. Also called: CTR9-related condition.
Predisposition to Wilms tumor.

Allele frequency attached by ClinVar (database versions not stated): ExAC 0.00002; gnomAD 0.00006; TOPMed 0.00007; 1000 Genomes Project 30x 0.00016; 1000 Genomes Project 0.00020.
gnomAD v4.1: 15 of 1,610,360 alleles (0.00093%); highest among the groups gnomAD compares: African/African-American, 0.017%; no homozygotes.

Submissions (3):

St. Jude Molecular Pathology, St. Jude Children's Research Hospital
Classification: Uncertain significance for Predisposition to Wilms tumor. Last evaluated: 2026-10-01. Review status: criteria provided, single submitter. Criteria: St. Jude Assertion Criteria 2020. Collection method: clinical testing. Allele origin: germline.
Comment: The CTR9 c.144G>T p.(Ala48=) synonymous change has a maximum subpopulation frequency of 0.01% in gnomAD v2.1.1. Algorithms that predict the impact of sequence changes on splicing indicate that this variant may impact splicing. To our knowledge, this variant has not been reported in the literature in individuals with Wilms tumor.Ã¢ € ¯In summary, the evid ence currently available is insufficient to determine the clinical significance of this variant. It has therefore been classified as of uncertain significance.

Labcorp Genetics (formerly Invitae), Labcorp
Classification: Uncertain significance. Last evaluated: 2024-05-18. Review status: criteria provided, single submitter. Criteria: Invitae Variant Classification Sherloc (09022015). Collection method: clinical testing. Allele origin: germline.
Comment: This sequence change affects codon 48 of the CTR9 mRNA. It is a 'silent' change, meaning that it does not change the encoded amino acid sequence of the CTR9 protein. This variant also falls at the last nucleotide of exon 2, which is part of the consensus splice site for this exon. This variant is present in population databases (rs553969590, gnomAD 0.02%). This variant has not been reported in the literature in individuals affected with CTR9-related conditions. ClinVar contains an entry for this variant (Variation ID: 2172616). Variants that disrupt the consensus splice site are a relatively common cause of aberrant splicing (PMID: 17576681, 9536098). Algorithms developed to predict the effect of sequence changes on RNA splicing suggest that this variant may disrupt the consensus splice site. In summary, the available evidence is currently insufficient to determine the role of this variant in disease. Therefore, it has been classified as a Variant of Uncertain Significance.

PreventionGenetics, part of Exact Sciences
Classification: Uncertain significance for CTR9-related condition. Last evaluated: 2024-02-12. Review status: no assertion criteria provided. Collection method: clinical testing. Allele origin: germline. Not counted in ClinVar's aggregate classification.
Comment: The CTR9 c.144G>T variant is not predicted to result in an amino acid change (p.=). This variant is predicted to alter splicing based on available splicing prediction programs (SpliceAI, Jaganathan et al. 2019. PubMed ID: 30661751). However, the use of computer prediction programs is not equivalent to functional evidence. This variant is reported in 0.016% of alleles in individuals of African descent in gnomAD. To our knowledge, this variant has not been reported in the literature. This variant is interpreted as variant of unknown significance in ClinVar. At this time, the clinical significance of this variant is uncertain due to the absence of conclusive functional and genetic evidence.

Literature cited by the submitters: PubMed 17576681 (cited by Labcorp Genetics (formerly Invitae), Labcorp); PubMed 9536098 (cited by Labcorp Genetics (formerly Invitae), Labcorp).